The following is an entry in ClinVar:

ClinVar aggregate classification (germline): Likely pathogenic (1 of 4 stars; one submission).

gnomAD v4.1: 1 of 1,613,706 alleles (0.000062%); highest among the groups gnomAD compares: Non-Finnish European, 0.000085%; no homozygotes.

Submission:

Labcorp Genetics (formerly Invitae), Labcorp
Classification: Likely pathogenic. Last evaluated: 2021-12-02. Review status: criteria provided, single submitter. Criteria: Invitae Variant Classification Sherloc (09022015). Collection method: clinical testing. Allele origin: germline.
Comment: This sequence change affects an acceptor splice site in intron 16 of the AARS2 gene. It is expected to disrupt RNA splicing. Variants that disrupt the donor or acceptor splice site typically lead to a loss of protein function (PMID: 16199547), and loss-of-function variants in AARS2 are known to be pathogenic (PMID: 24808023, 30285085, 30819764). In summary, the currently available evidence indicates that the variant is pathogenic, but additional data are needed to prove that conclusively. Therefore, this variant has been classified as Likely Pathogenic. Algorithms developed to predict the effect of sequence changes on RNA splicing suggest that this variant may disrupt the consensus splice site. This variant has not been reported in the literature in individuals affected with AARS2-related conditions. This variant is not present in population databases (gnomAD no frequency).

Literature cited by the submitters: PubMed 16199547; PubMed 24808023; PubMed 30285085; PubMed 30819764.

NM_020745.4(AARS2):c.2256-2A>G

Gene: AARS2 (alanyl-tRNA synthetase 2, mitochondrial; minus strand). Cytogenetic location: 6p21.1.
Variant type: single nucleotide variant.
Coding change: c.2256-2A>G on transcript NM_020745.4 (MANE Select); the canonical splice acceptor site of the intron before coding-DNA position 2256, A replaced by G.
Molecular consequence: splice acceptor variant.
Genome position (GRCh38, 1-based): chr6:44,302,912, T>C on the plus strand (A>G on the coding strand, the complement: AARS2 is on the minus strand). VCF-style: chr6-44302912-T-C. GRCh37 (hg19) VCF-style: chr6-44270649-T-C.
Identifiers: ClinVar variation 1478961 (VCV001478961.7), dbSNP rs2153353988, ClinGen allele CA364337279.